The following is an entry in ClinVar:

NM_001134407.3(GRIN2A):c.3042G>A (p.Trp1014Ter)

Gene: GRIN2A (glutamate ionotropic receptor NMDA type subunit 2A; minus strand). Cytogenetic location: 16p13.2.
Variant type: single nucleotide variant.
Coding change: c.3042G>A on transcript NM_001134407.3 (MANE Select); coding-DNA position 3042, G replaced by A.
Protein change: p.Trp1014Ter; replaces tryptophan 1014 with a stop codon.
Molecular consequence: nonsense.
Genome position (GRCh38, 1-based): chr16:9,764,502, C>T on the plus strand (G>A on the coding strand, the complement: GRIN2A is on the minus strand). VCF-style: chr16-9764502-C-T. GRCh37 (hg19) VCF-style: chr16-9858359-C-T.
Other names: NM_001134407.3(GRIN2A):c.3042G>A; p.Trp1014Ter; c.3042G>A, p.Trp1014Ter (NM_000833.5, NM_001134408.2); short protein forms W1014*.
Identifiers: ClinVar variation 582537 (VCV000582537.9), dbSNP rs1306036000, ClinGen allele CA394708794.

ClinVar aggregate classification (germline): Conflicting classifications of pathogenicity. Review status: criteria provided, conflicting classifications (1 of 4 stars). 3 submissions from 3 submitters: Pathogenic (1); Uncertain significance (1). 1 of the submissions does not count toward it. Last evaluated 2023-01-25.

Conditions:
GRIN2A-related complex neurodevelopmental disorder. Also called: GRIN2A-related disorder; GRIN2A-related condition. Identifiers: MedGen CN379781, MONDO:1060139.
Landau-Kleffner syndrome (FESD). Also called: EPILEPSY, FOCAL, WITH SPEECH DISORDER AND WITH OR WITHOUT MENTAL RETARDATION; APHASIA, ACQUIRED, WITH EPILEPSY. Identifiers: Orphanet 1945, Orphanet 725, Orphanet 98818, MedGen C0282512, MONDO:0009509, OMIM 245570.

Submissions (3):

Broad Center for Mendelian Genomics, Broad Institute of MIT and Harvard
Classification: Uncertain significance for Landau-Kleffner syndrome. Last evaluated: 2023-01-25. Review status: criteria provided, single submitter. Criteria: ACMG Guidelines, 2015. Collection method: curation. Allele origin: germline. Inheritance: Autosomal dominant inheritance.
Comment: The p.Trp1014Ter variant has not been previously reported in individuals with focal epilepsy with speech disorder. This variant was absent from large population studies. This variant has also been reported in ClinVar (Variation ID: 582537) and has been interpreted as likely pathogenic by Invitae. This nonsense variant leads to a premature termination codon at position 1014. This alteration occurs within the terminal 50 bases of the last exon and is more likely to escape nonsense mediated decay (NMD) and result in a truncated protein. Heterozygous loss of function of the GRIN2A gene is an established disease mechanism in autosomal dominant focal epilepsy with speech disorder. In summary, while there is some suspicion for a pathogenic role, the clinical significance of this variant is uncertain. ACMG/AMP Criteria applied: PVS1_Strong, PM2_Supporting (Richards 2015).

Labcorp Genetics (formerly Invitae), Labcorp
Classification: Pathogenic for Landau-Kleffner syndrome. Last evaluated: 2022-11-07. Review status: criteria provided, single submitter. Criteria: Invitae Variant Classification Sherloc (09022015). Collection method: clinical testing. Allele origin: germline.
Comment: This variant has not been reported in the literature in individuals affected with GRIN2A-related conditions. ClinVar contains an entry for this variant (Variation ID: 582537). This variant disrupts a region of the GRIN2A protein in which other variant(s) (p.Trp1271*) have been determined to be pathogenic (PMID: 29961510). This suggests that this is a clinically significant region of the protein, and that variants that disrupt it are likely to be disease-causing. For these reasons, this variant has been classified as Pathogenic. This sequence change creates a premature translational stop signal (p.Trp1014*) in the GRIN2A gene. While this is not anticipated to result in nonsense mediated decay, it is expected to disrupt the last 451 amino acid(s) of the GRIN2A protein. This variant is not present in population databases (gnomAD no frequency).

PreventionGenetics, part of Exact Sciences
Classification: Likely pathogenic for GRIN2A-related condition. Last evaluated: 2024-05-29. Review status: no assertion criteria provided. Collection method: clinical testing. Allele origin: germline. Not counted in ClinVar's aggregate classification.
Comment: The GRIN2A c.3042G>A variant is predicted to result in premature protein termination (p.Trp1014*). To our knowledge, this variant has not been reported in the literature or in a large population database, indicating this variant is rare. Nonsense variants in GRIN2A are expected to be pathogenic. This variant is interpreted as likely pathogenic.

Literature cited by the submitters: PubMed 29961510 (cited by Labcorp Genetics (formerly Invitae), Labcorp).